The following is an entry in ClinVar:

NM_004795.4(KL):c.1918C>T (p.Pro640Ser)

Gene: KL (klotho; plus strand). Cytogenetic location: 13q13.1.
Variant type: single nucleotide variant.
Coding change: c.1918C>T on transcript NM_004795.4 (MANE Select); coding-DNA position 1918, C replaced by T.
Protein change: p.Pro640Ser; replaces proline 640 with serine.
Molecular consequence: missense variant.
Genome position (GRCh38, 1-based): chr13:33,060,997, C>T. VCF-style: chr13-33060997-C-T. GRCh37 (hg19) VCF-style: chr13-33635134-C-T.
Other names: short protein forms P640S.
Identifiers: ClinVar variation 1905416 (VCV001905416.5), dbSNP rs1241590084, ClinGen allele CA387795148.

ClinVar aggregate classification (germline): Uncertain significance (1 of 4 stars; one submission).

Allele frequency attached by ClinVar (database versions not stated): gnomAD exomes below 0.00001; TOPMed 0.00001.
gnomAD v4.1: 4 of 1,612,906 alleles (0.00025%); highest among the groups gnomAD compares: Non-Finnish European, 0.00034%; no homozygotes.

Submission:

Labcorp Genetics (formerly Invitae), Labcorp
Classification: Uncertain significance. Last evaluated: 2025-11-01. Review status: criteria provided, single submitter. Criteria: Invitae Variant Classification Sherloc (09022015). Collection method: clinical testing. Allele origin: germline.
Comment: This sequence change replaces proline, which is neutral and non-polar, with serine, which is neutral and polar, at codon 640 of the KL protein (p.Pro640Ser). This variant is present in population databases (no rsID available, gnomAD 0.0009%). This variant has not been reported in the literature in individuals affected with KL-related conditions. ClinVar contains an entry for this variant (Variation ID: 1905416). Invitae Evidence Modeling of protein sequence and biophysical properties (such as structural, functional, and spatial information, amino acid conservation, physicochemical variation, residue mobility, and thermodynamic stability) indicates that this missense variant is not expected to disrupt KL protein function with a negative predictive value of 80%. In summary, the available evidence is currently insufficient to determine the role of this variant in disease. Therefore, it has been classified as a Variant of Uncertain Significance.